The following is an entry in ClinVar:

NM_001114108.2(TTC22):c.729C>T (p.Pro243=)

Gene: TTC22 (tetratricopeptide repeat domain 22; minus strand). Cytogenetic location: 1p32.3.
Variant type: single nucleotide variant.
Coding change: c.729C>T on transcript NM_001114108.2 (MANE Select); coding-DNA position 729, C replaced by T.
Protein change: p.Pro243=; no amino-acid change (proline 243 retained).
Molecular consequence: synonymous variant.
Genome position (GRCh38, 1-based): chr1:54,787,721, G>A on the plus strand (C>T on the coding strand, the complement: TTC22 is on the minus strand). VCF-style: chr1-54787721-G-A. GRCh37 (hg19) VCF-style: chr1-55253394-G-A.
Other names: c.729C>T, p.Pro243= (NM_017904.4).
Identifiers: ClinVar variation 2638837 (VCV002638837.24), dbSNP rs142120104, ClinGen allele CA869769.

ClinVar aggregate classification (germline): Likely benign (1 of 4 stars; one submission).

Allele frequency attached by ClinVar (database versions not stated): 1000 Genomes Project 0.00200; 1000 Genomes Project 30x 0.00234; gnomAD 0.00432; TOPMed 0.00488; ESP Exome Variant Server 0.00523; ExAC 0.00571.
gnomAD v4.1: 9,176 of 1,612,262 alleles (0.57%); highest among the groups gnomAD compares: Middle Eastern, 0.96%; 34 homozygotes.

Submission:

CeGaT Center for Human Genetics Tuebingen
Classification: Likely benign. Last evaluated: 2023-02-01. Review status: criteria provided, single submitter. Criteria: CeGaT Center For Human Genetics Tuebingen Variant Classification Criteria Version 2. Collection method: clinical testing. Allele origin: germline. Affected: yes. Observed: 1 variant allele.
Comment: TTC22: BP4, BP7, BS2